The following is an entry in ClinVar:

NM_018191.4(RCBTB1):c.540T>G (p.Ile180Met)

Gene: RCBTB1 (RCC1 and BTB domain containing protein 1; minus strand). Cytogenetic location: 13q14.2.
Variant type: single nucleotide variant.
Coding change: c.540T>G on transcript NM_018191.4 (MANE Select); coding-DNA position 540, T replaced by G.
Protein change: p.Ile180Met; replaces isoleucine 180 with methionine.
Molecular consequence: missense variant. On other transcripts: 5 prime UTR variant (1), non-coding transcript variant (2).
Genome position (GRCh38, 1-based): chr13:49,555,578, A>C on the plus strand (T>G on the coding strand, the complement: RCBTB1 is on the minus strand). VCF-style: chr13-49555578-A-C. GRCh37 (hg19) VCF-style: chr13-50129714-A-C.
Other names: c.540T>G, p.Ile180Met (NM_001352500.2, NM_001352501.2, NM_001352502.2 and 3 more transcripts); c.-40T>G (NM_001352506.2); short protein forms I180M.
Identifiers: ClinVar variation 1358556 (VCV001358556.5), dbSNP rs1961783204, ClinGen allele CA388191353.
Genomic context (GRCh38, chr13:49,555,578, plus strand): 5'-GCCATTGTCCAGAACAGCCATGGATGAAGTCTGACCACAGGCAATGCCAACTACCCTCTT[A>C]ATATGTAAACAGTTTGTAACTTTTCGAGGAGTTGGTTGATTTGCTGTAGAACCTGATCCC-3'
Protein context (NP_060661.3, residues 170-190): TPRKVTNCLH[Ile180Met]KRVVGIACGQ

ClinVar aggregate classification (germline): Uncertain significance (1 of 4 stars; one submission).

Submission:

Labcorp Genetics (formerly Invitae), Labcorp
Classification: Uncertain significance. Last evaluated: 2022-04-10. Review status: criteria provided, single submitter. Criteria: Invitae Variant Classification Sherloc (09022015). Collection method: clinical testing. Allele origin: germline.
Comment: This sequence change replaces isoleucine, which is neutral and non-polar, with methionine, which is neutral and non-polar, at codon 180 of the RCBTB1 protein (p.Ile180Met). This variant is not present in population databases (gnomAD no frequency). This variant has not been reported in the literature in individuals affected with RCBTB1-related conditions. Algorithms developed to predict the effect of missense changes on protein structure and function (SIFT, PolyPhen-2, Align-GVGD) all suggest that this variant is likely to be tolerated. In summary, the available evidence is currently insufficient to determine the role of this variant in disease. Therefore, it has been classified as a Variant of Uncertain Significance.